The following is an entry in ClinVar:

ClinVar aggregate classification (germline): Pathogenic (1 of 4 stars; one submission).

Allele frequency attached by ClinVar (database versions not stated): gnomAD exomes below 0.00001.
gnomAD v4.1: 1 of 1,613,922 alleles (0.000062%); highest among the groups gnomAD compares: Non-Finnish European, 0.000085%; no homozygotes.

Submission:

Labcorp Genetics (formerly Invitae), Labcorp
Classification: Pathogenic. Last evaluated: 2023-04-09. Review status: criteria provided, single submitter. Criteria: Invitae Variant Classification Sherloc (09022015). Collection method: clinical testing. Allele origin: germline.
Comment: This sequence change creates a premature translational stop signal (p.Tyr563*) in the ANO6 gene. It is expected to result in an absent or disrupted protein product. Loss-of-function variants in ANO6 are known to be pathogenic (PMID: 21107324, 21511967, 27879994). For these reasons, this variant has been classified as Pathogenic. This variant has not been reported in the literature in individuals affected with ANO6-related conditions. This variant is not present in population databases (gnomAD no frequency).

Literature cited by the submitters: PubMed 21107324; PubMed 21511967; PubMed 27879994.

NM_001025356.3(ANO6):c.1689C>G (p.Tyr563Ter)

Gene: ANO6 (anoctamin 6; plus strand). Cytogenetic location: 12q12.
Variant type: single nucleotide variant.
Coding change: c.1689C>G on transcript NM_001025356.3 (MANE Select); coding-DNA position 1689, C replaced by G.
Protein change: p.Tyr563Ter; replaces tyrosine 563 with a stop codon.
Molecular consequence: nonsense.
Genome position (GRCh38, 1-based): chr12:45,403,148, C>G. VCF-style: chr12-45403148-C-G. GRCh37 (hg19) VCF-style: chr12-45796931-C-G.
Other names: c.1635C>G, p.Tyr545Ter (NM_001142678.2); c.1689C>G, p.Tyr563Ter (NM_001142679.2); c.1752C>G, p.Tyr584Ter (NM_001204803.2); c.1656C>G, p.Tyr552Ter (NM_001410973.1); short protein forms Y545*, Y563*, Y584*, Y552*.
Identifiers: ClinVar variation 2827003 (VCV002827003.3), dbSNP rs2547505917, ClinGen allele CA384460389.